The following is an entry in ClinVar:

ClinVar aggregate classification (germline): Uncertain significance (1 of 4 stars; one submission).

Conditions:
Immunodeficiency 51 (IMD51). Also called: CANDIDIASIS, FAMILIAL, 5. Identifiers: Orphanet 1334, MedGen C4310803, MONDO:0013500, OMIM 613953.

gnomAD v4.1: 1 of 1,614,160 alleles (0.000062%); highest among the groups gnomAD compares: Non-Finnish European, 0.000085%; no homozygotes.

Submission:

Labcorp Genetics (formerly Invitae), Labcorp
Classification: Uncertain significance for Immunodeficiency 51. Last evaluated: 2020-11-26. Review status: criteria provided, single submitter. Criteria: Invitae Variant Classification Sherloc (09022015). Collection method: clinical testing. Allele origin: germline.
Comment: In summary, the available evidence is currently insufficient to determine the role of this variant in disease. Therefore, it has been classified as a Variant of Uncertain Significance. Algorithms developed to predict the effect of missense changes on protein structure and function are either unavailable or do not agree on the potential impact of this missense change (SIFT: "Tolerated"; PolyPhen-2: "Probably Damaging"; Align-GVGD: "Class C0"). This variant has not been reported in the literature in individuals with IL17RA-related conditions. This variant is not present in population databases (ExAC no frequency). This sequence change replaces proline with serine at codon 373 of the IL17RA protein (p.Pro373Ser). The proline residue is moderately conserved and there is a moderate physicochemical difference between proline and serine.

NM_014339.7(IL17RA):c.1117C>T (p.Pro373Ser)

Gene: IL17RA (interleukin 17 receptor A; plus strand). Cytogenetic location: 22q11.1.
Variant type: single nucleotide variant.
Coding change: c.1117C>T on transcript NM_014339.7 (MANE Select); coding-DNA position 1117, C replaced by T.
Protein change: p.Pro373Ser; replaces proline 373 with serine.
Molecular consequence: missense variant.
Genome position (GRCh38, 1-based): chr22:17,108,336, C>T. VCF-style: chr22-17108336-C-T. GRCh37 (hg19) VCF-style: chr22-17589226-C-T.
Other names: c.1015C>T, p.Pro339Ser (NM_001289905.2); short protein forms P373S, P339S.
Identifiers: ClinVar variation 1351608 (VCV001351608.8), dbSNP rs748951854, ClinGen allele CA410215997.